The following is an entry in ClinVar:

NM_014727.3(KMT2B):c.282_299del (p.91RG[2])

Gene: KMT2B (lysine methyltransferase 2B; plus strand). Cytogenetic location: 19q13.12.
Variant type: Deletion.
Coding change: c.282_299del on transcript NM_014727.3 (MANE Select); coding-DNA positions 282 to 299, 18 bases deleted (ACGGGGTCGGGGCCGGGG).
Protein change: p.91RG[2].
Molecular consequence: inframe deletion.
Genome position (GRCh38, 1-based): chr19:35,718,300-35,718,317, ACGGGGTCGGGGCCGGGG deleted; deleting any 18 consecutive bases within chr19:35,718,289-35,718,317 gives the same sequence; the c. name uses the placement nearest the transcript's 3' end. VCF-style (leftmost placement, unchanged base first): chr19-35718288-GCGGGGCCGGGGACGGGGT-G. GRCh37 (hg19) VCF-style: chr19-36209190-GCGGGGCCGGGGACGGGGT-G.
Identifiers: ClinVar variation 1900060 (VCV001900060.5), dbSNP rs2146429185, ClinGen allele CA2576872195.

ClinVar aggregate classification (germline): Uncertain significance (1 of 4 stars; one submission).

Submission:

Labcorp Genetics (formerly Invitae), Labcorp
Classification: Uncertain significance. Last evaluated: 2024-07-31. Review status: criteria provided, single submitter. Criteria: Invitae Variant Classification Sherloc (09022015). Collection method: clinical testing. Allele origin: germline.
Comment: This variant, c.282_299del, results in the deletion of 6 amino acid(s) of the KMT2B protein (p.Arg95_Gly100del), but otherwise preserves the integrity of the reading frame. This variant is not present in population databases (gnomAD no frequency). This variant has not been reported in the literature in individuals affected with KMT2B-related conditions. ClinVar contains an entry for this variant (Variation ID: 1900060). Experimental studies and prediction algorithms are not available or were not evaluated, and the functional significance of this variant is currently unknown. In summary, the available evidence is currently insufficient to determine the role of this variant in disease. Therefore, it has been classified as a Variant of Uncertain Significance.